The following is an entry in ClinVar:

NM_198075.4(LRRC56):c.1202C>T (p.Pro401Leu)

Gene: LRRC56 (leucine rich repeat containing 56; plus strand). Cytogenetic location: 11p15.5.
Variant type: single nucleotide variant.
Coding change: c.1202C>T on transcript NM_198075.4 (MANE Select); coding-DNA position 1202, C replaced by T.
Protein change: p.Pro401Leu; replaces proline 401 with leucine.
Molecular consequence: missense variant.
Genome position (GRCh38, 1-based): chr11:552,589, C>T. VCF-style: chr11-552589-C-T. GRCh37 (hg19) VCF-style: chr11-552589-C-T.
Other names: c.1202C>T (NM_198075.3); short protein forms P401L.
Identifiers: ClinVar variation 2017920 (VCV002017920.3), dbSNP rs372006680, ClinGen allele CA5780017.

ClinVar aggregate classification (germline): Conflicting classifications of pathogenicity. Review status: criteria provided, conflicting classifications (1 of 4 stars). 2 submissions from 2 submitters: Uncertain significance (1); Likely benign (1). Last evaluated 2025-07-03.

Allele frequency attached by ClinVar (database versions not stated): gnomAD 0.00003; TOPMed 0.00006; ESP Exome Variant Server 0.00008.
gnomAD v4.1: 66 of 1,606,996 alleles (0.0041%); highest among the groups gnomAD compares: Admixed American, 0.079%; no homozygotes.

Submissions (2):

Ambry Genetics
Classification: Likely benign. Last evaluated: 2025-07-03. Review status: criteria provided, single submitter. Criteria: Ambry Variant Classification Scheme 2023. Collection method: clinical testing. Allele origin: germline.

Labcorp Genetics (formerly Invitae), Labcorp
Classification: Uncertain significance. Last evaluated: 2023-04-20. Review status: criteria provided, single submitter. Criteria: Invitae Variant Classification Sherloc (09022015). Collection method: clinical testing. Allele origin: germline.
Comment: In summary, the available evidence is currently insufficient to determine the role of this variant in disease. Therefore, it has been classified as a Variant of Uncertain Significance. Advanced modeling of protein sequence and biophysical properties (such as structural, functional, and spatial information, amino acid conservation, physicochemical variation, residue mobility, and thermodynamic stability) performed at Invitae indicates that this missense variant is not expected to disrupt LRRC56 protein function. ClinVar contains an entry for this variant (Variation ID: 2017920). This variant has not been reported in the literature in individuals affected with LRRC56-related conditions. This variant is present in population databases (rs372006680, gnomAD 0.1%). This sequence change replaces proline, which is neutral and non-polar, with leucine, which is neutral and non-polar, at codon 401 of the LRRC56 protein (p.Pro401Leu).